The following is an entry in ClinVar:

NM_005445.4(SMC3):c.2215A>G (p.Met739Val)

Gene: SMC3 (structural maintenance of chromosomes 3; plus strand). Cytogenetic location: 10q25.2.
Variant type: single nucleotide variant.
Coding change: c.2215A>G on transcript NM_005445.4 (MANE Select); coding-DNA position 2215, A replaced by G.
Protein change: p.Met739Val; replaces methionine 739 with valine.
Molecular consequence: missense variant.
Genome position (GRCh38, 1-based): chr10:110,598,237, A>G. VCF-style: chr10-110598237-A-G. GRCh37 (hg19) VCF-style: chr10-112357995-A-G.
Other names: short protein forms M739V.
Identifiers: ClinVar variation 802635 (VCV000802635.3), dbSNP rs1590567950, ClinGen allele CA378392219.
Genomic context (GRCh38, chr10:110,598,237, plus strand): 5'-CAACAGATCGAGACCCAGCAAAGGAAATTTAAAGCATCTAGAGATAGCATATTATCAGAA[A>G]TGAAGATGCTAAAAGAGAAGAGGCAGCAGTCAGAGAAAACCTTCATGCCTAAGGTTCGTA-3'
Protein context (NP_005436.1, residues 729-749): KASRDSILSE[Met739Val]KMLKEKRQQS

ClinVar aggregate classification (germline): Likely benign (1 of 4 stars; one submission).

Conditions:
Cornelia de Lange syndrome 3 (CDLS3). Also called: CORNELIA DE LANGE SYNDROME 3 WITH OR WITHOUT MIDLINE BRAIN DEFECTS; SMC3-Related Cornelia de Lange Syndrome. Identifiers: Orphanet 199, MedGen C1853099, MONDO:0012555, OMIM 610759.

Submission:

Mendelics
Classification: Likely benign for Cornelia de Lange syndrome 3. Last evaluated: 2020-02-28. Review status: criteria provided, single submitter. Criteria: Mendelics Assertion Criteria 2017. Collection method: clinical testing. Allele origin: unknown.